The following is an entry in ClinVar:

ClinVar aggregate classification (germline): Conflicting classifications of pathogenicity. Review status: criteria provided, conflicting classifications (1 of 4 stars). 6 submissions from 6 submitters: Uncertain significance (5); Likely benign (1). Last evaluated 2024-07-17.

Conditions:
Arrhythmogenic cardiomyopathy with wooly hair and keratoderma. Also called: PALMOPLANTAR KERATODERMA WITH LEFT VENTRICULAR CARDIOMYOPATHY AND WOOLLY HAIR; Carvajal syndrome; Dilated cardiomyopathy with woolly hair and keratoderma; Arrhythmogenic cardiomyopathy with woolly hair and keratoderma. Identifiers: Orphanet 65282, MedGen C1854063, MONDO:0011581, OMIM 605676.
Arrhythmogenic right ventricular dysplasia 8 (ARVD8). Also called: Arrhythmogenic Right Ventricular Dysplasia/Cardiomyopathy 8; ARRHYTHMOGENIC RIGHT VENTRICULAR DYSPLASIA, FAMILIAL, 8; ARRHYTHMOGENIC RIGHT VENTRICULAR CARDIOMYOPATHY 8. Identifiers: MedGen C1843896, MONDO:0011831, OMIM 607450.
Keratosis palmoplantaris striata 2. Also called: Keratosis palmoplantaris striata II; KERATODERMA, PALMOPLANTAR, STRIATE FORM II; STRIATE PALMOPLANTAR KERATODERMA II. Identifiers: MedGen C1852127, MONDO:0013034, OMIM 612908.
Lethal acantholytic epidermolysis bullosa (EBLA). Identifiers: Orphanet 158687, MedGen C1864826, MONDO:0012323, OMIM 609638.
Cardiomyopathy, dilated, with wooly hair, keratoderma, and tooth agenesis. Also called: Cardiomyopathy, dilated, with woolly hair, keratoderma, and tooth agenesis; Erythrokeratodermia-cardiomyopathy syndrome. Identifiers: Orphanet 476096, Orphanet 65282, MedGen C4014393, MONDO:0014355, OMIM 615821.
Woolly hair-skin fragility syndrome (WHSF). Identifiers: Orphanet 293165, MedGen C1843292, MONDO:0957307, OMIM 620415.
Cardiomyopathy (CMYO). Also called: Cardiomyopathies. Identifiers: Orphanet 167848, MedGen C0878544, MONDO:0004994, HP:0001638. Inheritance: Various modes of inheritance.

Allele frequency attached by ClinVar (database versions not stated): TOPMed below 0.00001; ExAC 0.00001; gnomAD exomes 0.00001.
gnomAD v4.1: 20 of 1,614,064 alleles (0.0012%); highest among the groups gnomAD compares: Non-Finnish European, 0.0017%; no homozygotes.

Submissions (6):

Color Diagnostics, LLC DBA Color Health
Classification: Uncertain significance for Cardiomyopathy. Last evaluated: 2024-07-17. Review status: criteria provided, single submitter. Criteria: ACMG Guidelines, 2015. Collection method: clinical testing. Allele origin: germline.
Comment: This missense variant replaces alanine with proline at codon 1435 of the DSP protein. Computational prediction suggests that this variant may not impact protein structure and function. To our knowledge, functional studies have not been reported for this variant. This variant has been reported in an individual affected with sudden cardiac death and idiopathic left ventricular hypertrophy at autopsy (PMID: 31534214). This variant has been identified in 3/251410 chromosomes in the general population by the Genome Aggregation Database (gnomAD). The available evidence is insufficient to determine the role of this variant in disease conclusively. Therefore, this variant is classified as a Variant of Uncertain Significance.

Labcorp Genetics (formerly Invitae), Labcorp
Classification: Likely benign for Arrhythmogenic cardiomyopathy with wooly hair and keratoderma; Arrhythmogenic right ventricular dysplasia 8. Last evaluated: 2023-03-08. Review status: criteria provided, single submitter. Criteria: Invitae Variant Classification Sherloc (09022015). Collection method: clinical testing. Allele origin: germline.

Fulgent Genetics
Classification: Uncertain significance for Arrhythmogenic cardiomyopathy with wooly hair and keratoderma; Arrhythmogenic right ventricular dysplasia 8; Lethal acantholytic epidermolysis bullosa; Keratosis palmoplantaris striata 2; Cardiomyopathy, dilated, with wooly hair, keratoderma, and tooth agenesis. Last evaluated: 2021-09-09. Review status: criteria provided, single submitter. Criteria: ACMG Guidelines, 2015. Collection method: clinical testing. Allele origin: unknown.

Women's Health and Genetics/Laboratory Corporation of America, LabCorp
Classification: Uncertain significance. Last evaluated: 2020-03-11. Review status: criteria provided, single submitter. Criteria: LabCorp Variant Classification Summary - May 2015. Collection method: clinical testing. Allele origin: germline.
Comment: Variant summary: DSP c.4303G>C (p.Ala1435Pro) results in a non-conservative amino acid change in the encoded protein sequence. Four of five in-silico tools predict a damaging effect of the variant on protein function. The variant allele was found at a frequency of 1.2e-05 in 251410 control chromosomes (gnomAD). The available data on variant occurrences in the general population are insufficient to allow any conclusion about variant significance. To our knowledge, no occurrence of c.4303G>C in individuals affected with Cardiomyopathy and no experimental evidence demonstrating its impact on protein function have been reported. At least one co-occurrence with another pathogenic variant has been internally reported (TTN c.85692_85696delAGCTT, p.Trp28566X), providing supporting evidence for a benign role. One ClinVar submitter (evaluation after 2014) cites the variant as uncertain significance. Based on the evidence outlined above, the variant was classified as uncertain significance.

GeneDx
Classification: Uncertain significance. Last evaluated: 2019-06-25. Review status: criteria provided, single submitter. Criteria: GeneDx Variant Classification Process June 2021. Collection method: clinical testing. Allele origin: germline. Affected: yes.
Comment: Has not been previously published as pathogenic or benign to our knowledge; Not observed at a significant frequency in large population cohorts (Lek et al., 2016); In silico analysis, which includes protein predictors and evolutionary conservation, supports that this variant does not alter protein structure/function; This variant is associated with the following publications: (PMID: 31534214)

Blueprint Genetics
Classification: Uncertain significance. Last evaluated: 2019-03-30. Review status: criteria provided, single submitter. Criteria: ACMG Guidelines, 2015. Collection method: clinical testing. Allele origin: germline.

Literature cited by the submitters: PubMed 31534214 (cited by Color Diagnostics, LLC DBA Color Health).

NM_004415.4(DSP):c.4303G>C (p.Ala1435Pro)

Gene: DSP (desmoplakin; plus strand). Cytogenetic location: 6p24.3.
Variant type: single nucleotide variant.
Coding change: c.4303G>C on transcript NM_004415.4 (MANE Select); coding-DNA position 4303, G replaced by C.
Protein change: p.Ala1435Pro; replaces alanine 1435 with proline.
Molecular consequence: missense variant. On other transcripts: intron variant (2).
Genome position (GRCh38, 1-based): chr6:7,580,493, G>C. VCF-style: chr6-7580493-G-C. GRCh37 (hg19) VCF-style: chr6-7580726-G-C.
Other names: c.4303G>C (LRG_423t1); c.4050+253G>C (NM_001319034.2); c.3582+721G>C (NM_001008844.3); short protein forms A1435P.
Identifiers: ClinVar variation 534279 (VCV000534279.17), dbSNP rs751972271, ClinGen allele CA041029.